The following is an entry in ClinVar:

NM_002734.5(PRKAR1A):c.46C>T (p.Arg16Ter)

Gene: PRKAR1A (protein kinase cAMP-dependent type I regulatory subunit alpha; plus strand). Cytogenetic location: 17q24.2.
Variant type: single nucleotide variant.
Coding change: c.46C>T on transcript NM_002734.5 (MANE Select); coding-DNA position 46, C replaced by T.
Protein change: p.Arg16Ter; replaces arginine 16 with a stop codon.
Molecular consequence: nonsense.
Genome position (GRCh38, 1-based): chr17:68,515,445, C>T. VCF-style: chr17-68515445-C-T. GRCh37 (hg19) VCF-style: chr17-66511586-C-T.
Other names: c.46C>T, p.Arg16Ter (NM_001276289.2, NM_001276290.1, NM_001278433.2 and 4 more transcripts); short protein forms R16*.
Identifiers: ClinVar variation 279877 (VCV000279877.16), dbSNP rs886041228, ClinGen allele CA10603402.

ClinVar aggregate classification (germline): Pathogenic. Review status: criteria provided, multiple submitters, no conflicts (2 of 4 stars). 5 submissions from 5 submitters: Pathogenic (4). 1 of the submissions does not count toward it. Last evaluated 2025-11-24.

Conditions:
PRKAR1A-related disorder. Also called: PRKAR1A-related condition.
Acrodysostosis 1 with or without hormone resistance (ACRDYS1). Also called: ACRODYSOSTOSIS 1 WITH HORMONE RESISTANCE; ACRODYSOSTOSIS 1 WITHOUT HORMONE RESISTANCE; ACRODYSOSTOSIS WITH HORMONE RESISTANCE. Identifiers: Orphanet 280651, MedGen C3276228, MONDO:0007044, OMIM 101800.
Hereditary cancer-predisposing syndrome. Also called: Hereditary Cancer Syndrome; Tumor predisposition; Neoplastic Syndromes, Hereditary; Hereditary neoplastic syndrome. Identifiers: Orphanet 140162, MedGen C0027672, MeSH D009386, MONDO:0015356.
Carney complex, type 1 (CNC1). Also called: CARNEY COMPLEX, TYPE I; CARNEY MYXOMA-ENDOCRINE COMPLEX. Identifiers: Orphanet 1359, MedGen C2607929, MONDO:0008057, OMIM 160980.

Allele frequency attached by ClinVar (database versions not stated): TOPMed 0.00001.

Submissions (5):

Ambry Genetics
Classification: Pathogenic for Hereditary cancer-predisposing syndrome. Last evaluated: 2025-11-24. Review status: criteria provided, single submitter. Criteria: Ambry Variant Classification Scheme 2023. Collection method: clinical testing. Allele origin: germline.
Comment: The p.R16* pathogenic mutation (also known as c.46C>T), located in coding exon 1 of the PRKAR1A gene, results from a C to T substitution at nucleotide position 46. This changes the amino acid from an arginine to a stop codon within coding exon 1. This variant was reported in individual(s) with features consistent with PRKAR1A-related Carney complex (Bertherat J et al. J Clin Endocrinol Metab, 2009 Jun;94:2085-91; Horvath A et al. Hum Mutat, 2010 Apr;31:369-79; Tung SC et al. Endocr J, 2012 Jun;59:823-30; Ziats MN et al. Pediatr Res, 2020 Mar;87:735-739). This variant is considered to be rare based on population cohorts in the Genome Aggregation Database (gnomAD). This alteration is expected to result in loss of function by premature protein truncation or nonsense-mediated mRNA decay. Based on the supporting evidence, this alteration is pathogenic for Carney complex; however, the association of this alteration with acrodysostosis is unknown.

Labcorp Genetics (formerly Invitae), Labcorp
Classification: Pathogenic for Carney complex, type 1. Last evaluated: 2024-06-12. Review status: criteria provided, single submitter. Criteria: Invitae Variant Classification Sherloc (09022015). Collection method: clinical testing. Allele origin: germline.
Comment: This sequence change creates a premature translational stop signal (p.Arg16*) in the PRKAR1A gene. It is expected to result in an absent or disrupted protein product. Loss-of-function variants in PRKAR1A are known to be pathogenic (PMID: 11115848, 19293268). This variant is not present in population databases (gnomAD no frequency). This premature translational stop signal has been observed in individual(s) with Carney complex (CNC) (PMID: 19293268, 22785148). ClinVar contains an entry for this variant (Variation ID: 279877). For these reasons, this variant has been classified as Pathogenic.

Baylor Genetics
Classification: Pathogenic for Acrodysostosis 1 with or without hormone resistance. Last evaluated: 2023-06-21. Review status: criteria provided, single submitter. Criteria: ACMG Guidelines, 2015. Collection method: clinical testing. Allele origin: unknown.

GeneDx
Classification: Pathogenic. Last evaluated: 2021-05-25. Review status: criteria provided, single submitter. Criteria: GeneDx Variant Classification Process June 2021. Collection method: clinical testing. Allele origin: germline. Affected: yes.
Comment: Nonsense variant predicted to result in protein truncation or nonsense mediated decay in a gene for which loss-of-function is a known mechanism of disease; Not observed at significant frequency in large population cohorts (Lek 2016); This variant is associated with the following publications: (PMID: 25525159, 20358582, 19293268, 22785148)

PreventionGenetics, part of Exact Sciences
Classification: Pathogenic for PRKAR1A-related condition. Last evaluated: 2023-12-06. Review status: no assertion criteria provided. Collection method: clinical testing. Allele origin: germline. Not counted in ClinVar's aggregate classification.
Comment: The PRKAR1A c.46C>T variant is predicted to result in premature protein termination (p.Arg16*). This variant has been reported in at least one individual with Carney complex (Bertherat et al. 2009. PubMed ID: 19293268. Fig 2B). This variant has not been reported in a large population database, indicating this variant is rare. Nonsense variants in PRKAR1A are expected to be pathogenic. This variant is interpreted as pathogenic.

Literature cited by the submitters: PubMed 19293268 (cited by Ambry Genetics and Labcorp Genetics (formerly Invitae), Labcorp); PubMed 20358582 (cited by Ambry Genetics); PubMed 22785148 (cited by Ambry Genetics and Labcorp Genetics (formerly Invitae), Labcorp); PubMed 31618753 (cited by Ambry Genetics); PubMed 11115848 (cited by Labcorp Genetics (formerly Invitae), Labcorp).